The following is an entry in ClinVar:

NM_000245.4(MET):c.535G>A (p.Ala179Thr)

Gene: MET (MET proto-oncogene, receptor tyrosine kinase; plus strand). Cytogenetic location: 7q31.2.
Variant type: single nucleotide variant.
Coding change: c.535G>A on transcript NM_000245.4 (MANE Select); coding-DNA position 535, G replaced by A.
Protein change: p.Ala179Thr; replaces alanine 179 with threonine.
Molecular consequence: missense variant. On other transcripts: intron variant (1).
Genome position (GRCh38, 1-based): chr7:116,699,619, G>A. VCF-style: chr7-116699619-G-A. GRCh37 (hg19) VCF-style: chr7-116339673-G-A.
Other names: c.535G>A, p.Ala179Thr (NM_001127500.3, NM_001324401.3); c.-91+27042G>A (NM_001324402.2); c.535G>A (NM_001127500.2); short protein forms A179T.
Identifiers: ClinVar variation 844841 (VCV000844841.14), dbSNP rs753697730, ClinGen allele CA4448001.
Genomic context (GRCh38, chr7:116,699,619, plus strand): 5'-CACTGCATATTCTCCCCACAGATAGAAGAGCCCAGCCAGTGTCCTGACTGTGTGGTGAGC[G>A]CCCTGGGAGCCAAAGTCCTTTCATCTGTAAAGGACCGGTTCATCAACTTCTTTGTAGGCA-3'
Protein context (NP_000236.2, residues 169-189): PSQCPDCVVS[Ala179Thr]LGAKVLSSVK

ClinVar aggregate classification (germline): Conflicting classifications of pathogenicity. Review status: criteria provided, conflicting classifications (1 of 4 stars). 5 submissions from 5 submitters: Uncertain significance (4); Likely benign (1). Last evaluated 2026-01-31.

Conditions:
MET-related disorder. Also called: MET-related condition.
Renal cell carcinoma. Identifiers: Orphanet 217071, MedGen C0007134, MeSH D002292, MONDO:0005086, HP:0005584.
Hereditary cancer-predisposing syndrome. Also called: Neoplastic Syndromes, Hereditary; Hereditary Cancer Syndrome; Tumor predisposition; Hereditary neoplastic syndrome. Identifiers: Orphanet 140162, MedGen C0027672, MeSH D009386, MONDO:0015356.

Allele frequency attached by ClinVar (database versions not stated): ExAC 0.00001; gnomAD exomes 0.00001; gnomAD 0.00002 and 0.00003; TOPMed 0.00002.
gnomAD v4.1: 12 of 1,613,938 alleles (0.00074%); highest among the groups gnomAD compares: Middle Eastern, 0.017%; no homozygotes.

Submissions (5):

Labcorp Genetics (formerly Invitae), Labcorp
Classification: Uncertain significance for Renal cell carcinoma. Last evaluated: 2026-01-31. Review status: criteria provided, single submitter. Criteria: Invitae Variant Classification Sherloc (09022015). Collection method: clinical testing. Allele origin: germline.
Comment: This sequence change replaces alanine, which is neutral and non-polar, with threonine, which is neutral and polar, at codon 179 of the MET protein (p.Ala179Thr). This variant is not present in population databases (gnomAD no frequency). This variant has not been reported in the literature in individuals affected with MET-related conditions. ClinVar contains an entry for this variant (Variation ID: 844841). Invitae Evidence Modeling of protein sequence and biophysical properties (such as structural, functional, and spatial information, amino acid conservation, physicochemical variation, residue mobility, and thermodynamic stability) indicates that this missense variant is not expected to disrupt MET protein function with a negative predictive value of 80%. In summary, the available evidence is currently insufficient to determine the role of this variant in disease. Therefore, it has been classified as a Variant of Uncertain Significance.

Ambry Genetics
Classification: Likely benign for Hereditary cancer-predisposing syndrome. Last evaluated: 2025-10-30. Review status: criteria provided, single submitter. Criteria: Ambry Variant Classification Scheme 2023. Collection method: clinical testing. Allele origin: germline.

PreventionGenetics, part of Exact Sciences
Classification: Uncertain significance for MET-related condition. Last evaluated: 2024-11-24. Review status: criteria provided, single submitter. Criteria: ACMG Guidelines, 2015. Collection method: clinical testing. Allele origin: germline.
Comment: The MET c.535G>A variant is predicted to result in the amino acid substitution p.Ala179Thr. This variant was reported in an individual with lymphoedema (Finegold et al. 2008. PubMed ID: 18564920). This variant has not been reported in a large population database (gnomAD), indicating this variant is rare. This variant is interpreted as uncertain in ClinVar. At this time, the clinical significance of this variant is uncertain due to the absence of conclusive functional and genetic evidence.

Quest Diagnostics Nichols Institute San Juan Capistrano
Classification: Uncertain significance. Last evaluated: 2024-10-28. Review status: criteria provided, single submitter. Criteria: Quest Diagnostics criteria. Collection method: clinical testing. Allele origin: unknown.
Comment: The MET c.535G>A (p.Ala179Thr) variant has been reported in the published literature in an individual with lymphedema (PMID: 18564920 (2008)). The frequency of this variant in the general population, 0.000026 (4/152134 chromosomes (Genome Aggregation Database)), is uninformative in the assessment of its pathogenicity. Analysis of this variant using bioinformatics tools for the prediction of the effect of amino acid changes on protein structure and function yielded conflicting predictions that this variant is deleterious or benign. Based on the available information, we are unable to determine the clinical significance of this variant.

GeneDx
Classification: Uncertain significance. Last evaluated: 2022-10-18. Review status: criteria provided, single submitter. Criteria: GeneDx Variant Classification Process June 2021. Collection method: clinical testing. Allele origin: germline. Affected: yes.
Comment: Not observed at significant frequency in large population cohorts (gnomAD); In silico analysis supports that this missense variant does not alter protein structure/function; Observed in an individual with lymphedema (Finegold et al., 2008); This variant is associated with the following publications: (PMID: 18564920)

Literature cited by the submitters: PubMed 18564920 (cited by Quest Diagnostics Nichols Institute San Juan Capistrano).